The following is an entry in ClinVar:

ClinVar aggregate classification (germline): Benign/Likely benign. Review status: criteria provided, multiple submitters, no conflicts (2 of 4 stars). 2 submissions from 2 submitters: Benign (1); Likely benign (1). Last evaluated 2025-05-30.

Conditions:
Tuberous sclerosis 2 (TSC2). Identifiers: Orphanet 805, MedGen C1860707, MONDO:0013199, OMIM 613254.

Submissions (2):

Myriad Genetics, Inc.
Classification: Benign for Tuberous sclerosis 2. Last evaluated: 2025-05-30. Review status: criteria provided, single submitter. Criteria: Myriad Autosomal Dominant, Autosomal Recessive and X-Linked Classification Criteria (2023). Collection method: clinical testing. Allele origin: unknown.
Comment: This variant is considered benign. This variant is a silent/synonymous amino acid change and it is not expected to impact splicing.

Labcorp Genetics (formerly Invitae), Labcorp
Classification: Likely benign for Tuberous sclerosis 2. Last evaluated: 2024-05-28. Review status: criteria provided, single submitter. Criteria: Invitae Variant Classification Sherloc (09022015). Collection method: clinical testing. Allele origin: germline.

NM_000548.5(TSC2):c.3876C>A (p.Ser1292=)

Gene: TSC2 (TSC complex subunit 2; plus strand). Cytogenetic location: 16p13.3.
Variant type: single nucleotide variant.
Coding change: c.3876C>A on transcript NM_000548.5 (MANE Select); coding-DNA position 3876, C replaced by A.
Protein change: p.Ser1292=; no amino-acid change (serine 1292 retained).
Molecular consequence: synonymous variant. On other transcripts: intron variant (6).
Genome position (GRCh38, 1-based): chr16:2,082,497, C>A. VCF-style: chr16-2082497-C-A. GRCh37 (hg19) VCF-style: chr16-2132498-C-A.
Other names: c.3144C>A, p.Ser1048= (NM_001318831.2); c.3744C>A, p.Ser1248= (NM_001370404.1); c.3747C>A, p.Ser1249= (NM_001370405.1, NM_021055.3); c.3814+699C>A (NM_001114382.3); c.3685+699C>A (NM_001363528.2); c.3682+699C>A (NM_001077183.3); c.3574+699C>A (NM_001318827.2); c.3538+699C>A (NM_001318829.2); and 1 more.
Identifiers: ClinVar variation 1095128 (VCV001095128.10), dbSNP rs1173548095, ClinGen allele CA492955762.